The following is an entry in ClinVar:

ClinVar aggregate classification (germline): Likely benign (1 of 4 stars; one submission).

Conditions:
CYP3A4-related disorder. Also called: CYP3A4-related condition.

gnomAD v4.1: 149 of 1,613,468 alleles (0.0092%); highest among the groups gnomAD compares: Admixed American, 0.04%; 1 homozygote.

Submission:

PreventionGenetics, part of Exact Sciences
Classification: Likely benign for CYP3A4-related condition. Last evaluated: 2025-12-20. Review status: criteria provided, single submitter. Criteria: ACMG Guidelines, 2015. Collection method: clinical testing. Allele origin: germline.
Comment: This variant is classified as likely benign based on ACMG/AMP sequence variant interpretation guidelines (Richards et al. 2015 PMID: 25741868, with internal and published modifications).

NM_017460.6(CYP3A4):c.406A>G (p.Thr136Ala)

Gene: CYP3A4 (cytochrome P450 family 3 subfamily A member 4; minus strand). Cytogenetic location: 7q22.1.
Variant type: single nucleotide variant.
Coding change: c.406A>G on transcript NM_017460.6 (MANE Select); coding-DNA position 406, A replaced by G.
Protein change: p.Thr136Ala; replaces threonine 136 with alanine.
Molecular consequence: missense variant.
Genome position (GRCh38, 1-based): chr7:99,770,148, T>C on the plus strand (A>G on the coding strand, the complement: CYP3A4 is on the minus strand). VCF-style: chr7-99770148-T-C. GRCh37 (hg19) VCF-style: chr7-99367771-T-C.
Other names: c.406A>G, p.Thr136Ala (NM_001202855.3); short protein forms T136A.
Identifiers: ClinVar variation 4979451 (VCV004979451.1).